The following is an entry in ClinVar:

ClinVar aggregate classification (germline): Uncertain significance. Review status: criteria provided, multiple submitters, no conflicts (2 of 4 stars). 3 submissions from 3 submitters: Uncertain significance (3). Last evaluated 2025-09-09.

Conditions:
Bardet-Biedl syndrome 20. Identifiers: MedGen C4310707, MONDO:0023670, OMIM 619471, MONDO:0014926.
Short-rib thoracic dysplasia 10 with or without polydactyly (SRTD10). Identifiers: Orphanet 474, MedGen C3810175, MONDO:0014284, OMIM 615630.
Retinitis pigmentosa 71 (RP71). Identifiers: Orphanet 791, MedGen C4225342, MONDO:0014618, OMIM 616394.
IFT172-related disorder. Also called: IFT172-related disorders; IFT172-related condition.

Allele frequency attached by ClinVar (database versions not stated): TOPMed below 0.00001; gnomAD exomes 0.00001 and 0.00002.
gnomAD v4.1: 15 of 1,614,144 alleles (0.00093%); highest among the groups gnomAD compares: East Asian, 0.0045%; no homozygotes.

Submissions (3):

PreventionGenetics, part of Exact Sciences
Classification: Uncertain significance for IFT172-related condition. Last evaluated: 2025-09-09. Review status: criteria provided, single submitter. Criteria: ACMG Guidelines, 2015. Collection method: clinical testing. Allele origin: germline.
Comment: The IFT172 c.1238A>G variant is predicted to result in the amino acid substitution p.Asn413Ser. This variant was documented in an individual from an obesity cohort (Supplemental Table 1 in Roberts et al. 2022. PubMed ID: 35562395). This variant is reported in 0.011% of alleles in individuals of East Asian descent in gnomAD. At this time, the clinical significance of this variant is uncertain due to the absence of conclusive functional and genetic evidence.

Labcorp Genetics (formerly Invitae), Labcorp
Classification: Uncertain significance for Retinitis pigmentosa 71; Short-rib thoracic dysplasia 10 with or without polydactyly. Last evaluated: 2025-01-06. Review status: criteria provided, single submitter. Criteria: Invitae Variant Classification Sherloc (09022015). Collection method: clinical testing. Allele origin: germline.
Comment: This sequence change replaces asparagine, which is neutral and polar, with serine, which is neutral and polar, at codon 413 of the IFT172 protein (p.Asn413Ser). This variant is present in population databases (no rsID available, gnomAD 0.01%). This missense change has been observed in individual(s) with clinical features of IFT172-related conditions (PMID: 35562395). ClinVar contains an entry for this variant (Variation ID: 1431970). Invitae Evidence Modeling of protein sequence and biophysical properties (such as structural, functional, and spatial information, amino acid conservation, physicochemical variation, residue mobility, and thermodynamic stability) indicates that this missense variant is not expected to disrupt IFT172 protein function with a negative predictive value of 95%. In summary, the available evidence is currently insufficient to determine the role of this variant in disease. Therefore, it has been classified as a Variant of Uncertain Significance.

Fulgent Genetics
Classification: Uncertain significance for Short-rib thoracic dysplasia 10 with or without polydactyly; Retinitis pigmentosa 71; Bardet-Biedl syndrome 20. Last evaluated: 2022-01-07. Review status: criteria provided, single submitter. Criteria: ACMG Guidelines, 2015. Collection method: clinical testing. Allele origin: unknown.

Literature cited by the submitters: PubMed 35562395 (cited by Labcorp Genetics (formerly Invitae), Labcorp).

NM_015662.3(IFT172):c.1238A>G (p.Asn413Ser)

Gene: IFT172 (intraflagellar transport 172; minus strand). Cytogenetic location: 2p23.3.
Variant type: single nucleotide variant.
Coding change: c.1238A>G on transcript NM_015662.3 (MANE Select); coding-DNA position 1238, A replaced by G.
Protein change: p.Asn413Ser; replaces asparagine 413 with serine.
Molecular consequence: missense variant.
Genome position (GRCh38, 1-based): chr2:27,477,304, T>C on the plus strand (A>G on the coding strand, the complement: IFT172 is on the minus strand). VCF-style: chr2-27477304-T-C. GRCh37 (hg19) VCF-style: chr2-27700171-T-C.
Other names: c.1238A>G (NM_015662.2); short protein forms N413S.
Identifiers: ClinVar variation 1431970 (VCV001431970.6), dbSNP rs962054597, ClinGen allele CA44513476.